The following is an entry in ClinVar:

ClinVar aggregate classification (germline): Benign/Likely benign. Review status: criteria provided, multiple submitters, no conflicts (2 of 4 stars). 3 submissions from 3 submitters: Benign (2); Likely benign (1). Last evaluated 2026-01-11.

Conditions:
Isolated focal non-epidermolytic palmoplantar keratoderma. Also called: Palmoplantar keratoderma, nonepidermolytic, focal 2. Identifiers: Orphanet 448264, MedGen C4225339, MONDO:0014622, OMIM 616400.

Allele frequency attached by ClinVar (database versions not stated): gnomAD exomes 0.00052 and 0.00053; ExAC 0.00063; gnomAD 0.00119 and 0.00125; 1000 Genomes Project 0.00120; TOPMed 0.00122; 1000 Genomes Project 30x 0.00125; ESP Exome Variant Server 0.00146.
gnomAD v4.1: 933 of 1,614,210 alleles (0.058%); highest among the groups gnomAD compares: African/African-American, 0.32%; 1 homozygote.

Submissions (3):

Labcorp Genetics (formerly Invitae), Labcorp
Classification: Benign. Last evaluated: 2026-01-11. Review status: criteria provided, single submitter. Criteria: Invitae Variant Classification Sherloc (09022015). Collection method: clinical testing. Allele origin: germline.

Blueprint Genetics
Classification: Likely benign. Last evaluated: 2024-09-11. Review status: criteria provided, single submitter. Criteria: ACMG Guidelines, 2015. Collection method: clinical testing. Allele origin: germline.

Illumina Laboratory Services, Illumina
Classification: Benign for Isolated focal non-epidermolytic palmoplantar keratoderma. Last evaluated: 2018-01-13. Review status: criteria provided, single submitter. Criteria: ICSL Variant Classification Criteria 13 December 2019. Collection method: clinical testing. Allele origin: germline.
Comment: This variant was observed in the ICSL laboratory as part of a predisposition screen in an ostensibly healthy population. It had not been previously curated by ICSL or reported in the Human Gene Mutation Database (HGMD: prior to June 1st, 2018), and was therefore a candidate for classification through an automated scoring system. Utilizing variant allele frequency, disease prevalence and penetrance estimates, and inheritance mode, an automated score was calculated to assess if this variant is too frequent to cause the disease. Based on the score and internal cut-off values, a variant classified as benign is not then subjected to further curation. The score for this variant resulted in a classification of benign for this disease.

NM_145068.4(TRPV3):c.1698G>A (p.Thr566=)

Gene: TRPV3 (transient receptor potential cation channel subfamily V member 3; minus strand). Cytogenetic location: 17p13.2.
Variant type: single nucleotide variant.
Coding change: c.1698G>A on transcript NM_145068.4 (MANE Select); coding-DNA position 1698, G replaced by A.
Protein change: p.Thr566=; no amino-acid change (threonine 566 retained).
Molecular consequence: synonymous variant.
Genome position (GRCh38, 1-based): chr17:3,524,243, C>T on the plus strand (G>A on the coding strand, the complement: TRPV3 is on the minus strand). VCF-style: chr17-3524243-C-T. GRCh37 (hg19) VCF-style: chr17-3427537-C-T.
Other names: c.1698G>A, p.Thr566= (NM_001258205.2).
Identifiers: ClinVar variation 322762 (VCV000322762.10), dbSNP rs113716355, ClinGen allele CA8289354.